The following is an entry in ClinVar:

NM_005359.6(SMAD4):c.1218G>A (p.Ala406=)

Gene: SMAD4 (SMAD family member 4; plus strand). Cytogenetic location: 18q21.2.
Variant type: single nucleotide variant.
Coding change: c.1218G>A on transcript NM_005359.6 (MANE Select); coding-DNA position 1218, G replaced by A.
Protein change: p.Ala406=; no amino-acid change (alanine 406 retained).
Molecular consequence: synonymous variant.
Genome position (GRCh38, 1-based): chr18:51,067,097, G>A. VCF-style: chr18-51067097-G-A. GRCh37 (hg19) VCF-style: chr18-48593467-G-A.
Identifiers: ClinVar variation 231979 (VCV000231979.57), dbSNP rs145097078, ClinGen allele CA8966024.

ClinVar aggregate classification (germline): Benign/Likely benign. Review status: criteria provided, multiple submitters, no conflicts (2 of 4 stars). 15 submissions from 15 submitters: Benign (4); Likely benign (10). 1 of the submissions does not count toward it. Last evaluated 2026-01-26.

Conditions:
Hereditary cancer-predisposing syndrome. Also called: Neoplastic Syndromes, Hereditary; Hereditary Cancer Syndrome; Tumor predisposition; Hereditary neoplastic syndrome. Identifiers: Orphanet 140162, MedGen C0027672, MeSH D009386, MONDO:0015356.
Familial thoracic aortic aneurysm and aortic dissection (TAAD). Also called: Thoracic aortic aneurysms and dissections. Identifiers: Orphanet 91387, MedGen C4707243, MONDO:0019625.
Juvenile polyposis syndrome (JPS). Identifiers: Orphanet 2929, MedGen C0345893, MONDO:0017380, OMIM 174900.
SMAD4-related disorder. Also called: SMAD4-related condition; SMAD4-Related disorders.
Juvenile polyposis/hereditary hemorrhagic telangiectasia syndrome (JPHT). Also called: POLYPOSIS, GENERALIZED JUVENILE, WITH PULMONARY ARTERIOVENOUS MALFORMATION; TELANGIECTASIA, HEREDITARY HEMORRHAGIC, WITH JUVENILE POLYPOSIS COLI; Juvenile Polyposis Syndrome / Hereditary Hemorrhagic Telangiectasia (JPS/HHT); JP/HHT SYNDROME; JUVENILE POLYPOSIS WITH HEREDITARY HEMORRHAGIC TELANGIECTASIA. Identifiers: Orphanet 2929, MedGen C1832942, MONDO:0008278, OMIM 175050.

Allele frequency attached by ClinVar (database versions not stated): TOPMed 0.00002; gnomAD exomes 0.00003; gnomAD 0.00004; ESP Exome Variant Server 0.00008.
gnomAD v4.1: 49 of 1,611,766 alleles (0.003%); highest among the groups gnomAD compares: Middle Eastern, 0.083%; no homozygotes.

Submissions (15):

Labcorp Genetics (formerly Invitae), Labcorp
Classification: Likely benign for Juvenile polyposis syndrome. Last evaluated: 2026-01-26. Review status: criteria provided, single submitter. Criteria: Invitae Variant Classification Sherloc (09022015). Collection method: clinical testing. Allele origin: germline.

Center for Genomic Medicine, Rigshospitalet, Copenhagen University Hospital
Classification: Likely benign. Last evaluated: 2025-12-29. Review status: criteria provided, single submitter. Criteria: ACMG Guidelines, 2015. Collection method: clinical testing. Allele origin: germline.

Myriad Genetics, Inc.
Classification: Benign for Juvenile polyposis/hereditary hemorrhagic telangiectasia syndrome. Last evaluated: 2025-03-21. Review status: criteria provided, single submitter. Criteria: Myriad Autosomal Dominant, Autosomal Recessive and X-Linked Classification Criteria (2023). Collection method: clinical testing. Allele origin: unknown.
Comment: This variant is considered benign. This variant is a silent/synonymous amino acid change and it is not expected to impact splicing.

All of Us Research Program, National Institutes of Health
Classification: Likely benign for Juvenile polyposis/hereditary hemorrhagic telangiectasia syndrome. Last evaluated: 2024-09-23. Review status: criteria provided, single submitter. Criteria: ACMG Guidelines, 2015. Collection method: clinical testing. Allele origin: germline. Inheritance: Autosomal dominant inheritance. Observed: 13 variant alleles, 13 heterozygotes.
Comment: This study involves interpretation of variants in research participants for the purpose of population health screening. Participant phenotype was not available at the time of variant classification. Additional details can be found in publication PMID: 35346344, PMCID: PMC8962531

Blueprint Genetics
Classification: Likely benign. Last evaluated: 2024-02-28. Review status: criteria provided, single submitter. Criteria: ACMG Guidelines, 2015. Collection method: clinical testing. Allele origin: germline.

CeGaT Center for Human Genetics Tuebingen
Classification: Likely benign. Last evaluated: 2023-11-01. Review status: criteria provided, single submitter. Criteria: CeGaT Center For Human Genetics Tuebingen Variant Classification Criteria Version 2. Collection method: clinical testing. Allele origin: germline. Affected: yes. Observed: 1 variant allele.
Comment: SMAD4: BP4, BP7

Department of Pathology and Laboratory Medicine, Sinai Health System
Classification: Likely benign for Juvenile polyposis syndrome. Last evaluated: 2021-01-21. Review status: criteria provided, single submitter. Criteria: ACMG Guidelines, 2015. Collection method: clinical testing. Allele origin: germline. Affected: yes.

Sema4
Classification: Likely benign for Hereditary cancer-predisposing syndrome. Last evaluated: 2020-08-31. Review status: criteria provided, single submitter. Criteria: Sema4 Curation Guidelines. Collection method: curation. Allele origin: germline.

Quest Diagnostics Nichols Institute San Juan Capistrano
Classification: Benign. Last evaluated: 2017-11-17. Review status: criteria provided, single submitter. Criteria: Quest Diagnostics criteria. Collection method: clinical testing. Allele origin: germline.

ARUP Laboratories, Molecular Genetics and Genomics, ARUP Laboratories
Classification: Likely benign. Last evaluated: 2017-08-25. Review status: criteria provided, single submitter. Criteria: ARUP Molecular Germline Variant Investigation Process. Collection method: clinical testing. Allele origin: germline.
Comment: The SMAD4 c.1218G>A;p.Ala406Ala variant has not been published in the medical literature or in gene-specific databases. The variant is listed in the ClinVar database (Variation ID: 231979) and the dbSNP variant database (rs145097078) with an allele frequency of 0.0077 percent (1/13005 alleles) in the Exome Variant Server and 0.003608 percent (10/277190 alleles). The nucleotide at this position is not well conserved across species and computational algorithms predict this variant will not significant alter splicing. Considering available information, this variant is classified as likely benign.

Women's Health and Genetics/Laboratory Corporation of America, LabCorp
Classification: Benign. Last evaluated: 2017-06-26. Review status: criteria provided, single submitter. Criteria: LabCorp Variant Classification Summary - May 2015. Collection method: clinical testing. Allele origin: germline.
Comment: Variant summary: The c.1218G>A (p.Ala406=) in SMAD4 gene is a synonymous change that involves a non-conserved nucleotide. 3/5 programs in Alamut predict that this variant may have some mild effect normal splicing, however no functional studies supporting this notion were published at the time of evaluation. The variant is present in the control population datasets of ExAC and gnomAD at a similar frequencies 0.000036 (4/121400 and 10/ 277190 chrs tested, respectively). However, the possibility of the variant to be derived from pseudogene cannot be completely ruled out. The variant has not, to our knowledge, been reported in affected individuals via published reports but is cited as Benign/Likely Benign by reputable databases/clinical laboratories. Taking together, the variant was classified as Benign.

Color Diagnostics, LLC DBA Color Health
Classification: Likely benign for Hereditary cancer-predisposing syndrome. Last evaluated: 2016-10-09. Review status: criteria provided, single submitter. Criteria: ACMG Guidelines, 2015. Collection method: clinical testing. Allele origin: germline.

GeneDx
Classification: Benign. Last evaluated: 2015-07-31. Review status: criteria provided, single submitter. Criteria: GeneDx Variant Classification (06012015). Collection method: clinical testing. Allele origin: germline. Affected: yes.
Comment: This variant is considered likely benign or benign based on one or more of the following criteria: it is a conservative change, it occurs at a poorly conserved position in the protein, it is predicted to be benign by multiple in silico algorithms, and/or has population frequency not consistent with disease.

Ambry Genetics
Classification: Likely benign for Hereditary cancer-predisposing syndrome; Familial thoracic aortic aneurysm and aortic dissection. Last evaluated: 2015-06-02. Review status: criteria provided, single submitter. Criteria: Ambry Variant Classification Scheme 2023. Collection method: clinical testing. Allele origin: germline.

PreventionGenetics, part of Exact Sciences
Classification: Likely benign for SMAD4-related condition. Last evaluated: 2019-02-21. Review status: no assertion criteria provided. Collection method: clinical testing. Allele origin: germline. Not counted in ClinVar's aggregate classification.
Comment: This variant is classified as likely benign based on ACMG/AMP sequence variant interpretation guidelines (Richards et al. 2015 PMID: 25741868, with internal and published modifications).